The following is an entry in ClinVar:

NM_024312.5(GNPTAB):c.3314A>G (p.Tyr1105Cys)

Gene: GNPTAB (N-acetylglucosamine-1-phosphate transferase subunits alpha and beta; minus strand). Cytogenetic location: 12q23.2.
Variant type: single nucleotide variant.
Coding change: c.3314A>G on transcript NM_024312.5 (MANE Select); coding-DNA position 3314, A replaced by G.
Protein change: p.Tyr1105Cys; replaces tyrosine 1105 with cysteine.
Molecular consequence: missense variant.
Genome position (GRCh38, 1-based): chr12:101,757,593, T>C on the plus strand (A>G on the coding strand, the complement: GNPTAB is on the minus strand). VCF-style: chr12-101757593-T-C. GRCh37 (hg19) VCF-style: chr12-102151371-T-C.
Other names: NC_000012.11:g.102151371T>C; short protein forms Y1105C.
Identifiers: ClinVar variation 928880 (VCV000928880.3), dbSNP rs775751653, ClinGen allele CA6746198.

ClinVar aggregate classification (germline): Uncertain significance. Review status: criteria provided, single submitter (1 of 4 stars). 2 submissions from 2 submitters: Uncertain significance (1). 1 of the submissions does not count toward it. Last evaluated 2019-07-25.

Conditions:
Mucolipidosis type II. Also called: Mucolipidosis 2; ML 2; Inclusion cell disease; Leroy Disease; N-acetylglucosamine 1phosphotransferase deficiency; ML disorder type 2. Identifiers: Orphanet 576, MedGen C2673377, MONDO:0009650, OMIM 252500.

Allele frequency attached by ClinVar (database versions not stated): ExAC 0.00002; gnomAD exomes below 0.00001 and 0.00001; TOPMed below 0.00001.
gnomAD v4.1: 3 of 1,558,032 alleles (0.00019%); highest among the groups gnomAD compares: Non-Finnish European, 0.00027%; no homozygotes.

Submissions (3):

Women's Health and Genetics/Laboratory Corporation of America, LabCorp
Classification: Uncertain significance. Last evaluated: 2019-07-25. Review status: criteria provided, single submitter. Criteria: LabCorp Variant Classification Summary - May 2015. Collection method: clinical testing. Allele origin: germline.
Comment: Variant summary: GNPTAB c.3314A>G (p.Tyr1105Cys) results in a non-conservative amino acid change in the encoded protein sequence. Five of five in-silico tools predict a damaging effect of the variant on protein function. The variant allele was found at a frequency of 8e-06 in 251266 control chromosomes (gnomAD). The available data on variant occurrences in the general population are insufficient to allow any conclusion about variant significance. To our knowledge, no occurrence of c.3314A>G in individuals affected with Mucolipidosis and no experimental evidence demonstrating its impact on protein function have been reported. No submitters have provided clinical-significance assessments for this variant to ClinVar after 2014. Based on the evidence outlined above, the variant was classified as uncertain significance.

Natera, Inc.
Classification: Uncertain significance for Mucolipidosis type II. Last evaluated: 2020-03-17. Review status: no assertion criteria provided. Collection method: clinical testing. Allele origin: germline. Not counted in ClinVar's aggregate classification.

Dr. Peter K. Rogan Lab, Western University
No classification provided (evidence only). Condition: Thyroid cancer, nonmedullary, 1. Review status: no classification provided. Collection method: in vitro. Allele origin: not applicable. Functional consequence: retained intron. Not counted in ClinVar's aggregate classification.